The following is an entry in ClinVar:

NM_014297.5(ETHE1):c.448_469dup (p.Leu157fs)

Gene: ETHE1 (ETHE1 persulfide dioxygenase; minus strand). Cytogenetic location: 19q13.31.
Variant type: Duplication.
Coding change: c.448_469dup on transcript NM_014297.5 (MANE Select); coding-DNA positions 448 to 469, 22 bases duplicated (GCCTTCACTGGAGATGCCCTGT).
Protein change: p.Leu157fs; shifts the reading frame from leucine 157.
Molecular consequence: frameshift variant.
Genome position (GRCh38, 1-based): chr19:43,511,473-43,511,494, ACAGGGCATCTCCAGTGAAGGC duplicated on the plus strand (GCCTTCACTGGAGATGCCCTGT on the coding strand, the reverse complement: ETHE1 is on the minus strand). VCF-style (leftmost placement, unchanged base first): chr19-43511472-A-AACAGGGCATCTCCAGTGAAGGC. GRCh37 (hg19) VCF-style: chr19-44015624-A-AACAGGGCATCTCCAGTGAAGGC.
Other names: c.415_436dup, p.Leu146fs (NM_001320867.2); c.79_100dup, p.Leu34fs (NM_001320868.2); c.154_175dup, p.Leu59fs (NM_001320869.2); short protein forms L34fs, L157fs, L146fs, L59fs.
Identifiers: ClinVar variation 2012369 (VCV002012369.4), dbSNP rs2513609504, ClinGen allele CA2580097367.

ClinVar aggregate classification (germline): Pathogenic (1 of 4 stars; one submission).

Conditions:
Ethylmalonic encephalopathy (EE). Also called: Syndrome of encephalopathy, petechiae, and ethylmalonic aciduria; EPEMA syndrome; Encephalopathy, petechiae, and ethylmalonic aciduria. Identifiers: Orphanet 51188, MedGen C1865349, MONDO:0011229, OMIM 602473. Disease mechanism: loss of function.

Submission:

Labcorp Genetics (formerly Invitae), Labcorp
Classification: Pathogenic for Ethylmalonic encephalopathy. Last evaluated: 2022-06-29. Review status: criteria provided, single submitter. Criteria: Invitae Variant Classification Sherloc (09022015). Collection method: clinical testing. Allele origin: germline.
Comment: For these reasons, this variant has been classified as Pathogenic. This variant has not been reported in the literature in individuals affected with ETHE1-related conditions. This variant is not present in population databases (gnomAD no frequency). This sequence change creates a premature translational stop signal (p.Leu157Cysfs*31) in the ETHE1 gene. It is expected to result in an absent or disrupted protein product. Loss-of-function variants in ETHE1 are known to be pathogenic (PMID: 14732903, 19136963).

Literature cited by the submitters: PubMed 14732903; PubMed 19136963.